The following is an entry in ClinVar:

ClinVar aggregate classification (germline): Uncertain significance (1 of 4 stars; one submission).

Allele frequency attached by ClinVar (database versions not stated): gnomAD exomes below 0.00001 and 0.00002; TOPMed below 0.00001; gnomAD 0.00001.
gnomAD v4.1: 3 of 1,418,386 alleles (0.00021%); highest among the groups gnomAD compares: Non-Finnish European, 0.00028%; no homozygotes.

Submission:

Labcorp Genetics (formerly Invitae), Labcorp
Classification: Uncertain significance. Last evaluated: 2021-04-06. Review status: criteria provided, single submitter. Criteria: Invitae Variant Classification Sherloc (09022015). Collection method: clinical testing. Allele origin: germline.
Comment: This sequence change replaces threonine with alanine at codon 994 of the ADAMTS10 protein (p.Thr994Ala). The threonine residue is moderately conserved and there is a small physicochemical difference between threonine and alanine. In summary, the available evidence is currently insufficient to determine the role of this variant in disease. Therefore, it has been classified as a Variant of Uncertain Significance. Algorithms developed to predict the effect of missense changes on protein structure and function (SIFT, PolyPhen-2, Align-GVGD) all suggest that this variant is likely to be tolerated, but these predictions have not been confirmed by published functional studies and their clinical significance is uncertain. This variant has not been reported in the literature in individuals with ADAMTS10-related conditions. The frequency data for this variant in the population databases is considered unreliable, as metrics indicate insufficient coverage at this position in the ExAC database.

NM_030957.4(ADAMTS10):c.2980A>G (p.Thr994Ala)

Gene: ADAMTS10 (ADAM metallopeptidase with thrombospondin type 1 motif 10; minus strand). Cytogenetic location: 19p13.2.
Variant type: single nucleotide variant.
Coding change: c.2980A>G on transcript NM_030957.4 (MANE Select); coding-DNA position 2980, A replaced by G.
Protein change: p.Thr994Ala; replaces threonine 994 with alanine.
Molecular consequence: missense variant.
Genome position (GRCh38, 1-based): chr19:8,585,194, T>C on the plus strand (A>G on the coding strand, the complement: ADAMTS10 is on the minus strand). VCF-style: chr19-8585194-T-C. GRCh37 (hg19) VCF-style: chr19-8650078-T-C.
Other names: c.1441A>G, p.Thr481Ala (NM_001282352.2); short protein forms T481A, T994A.
Identifiers: ClinVar variation 1523731 (VCV001523731.6), dbSNP rs1555736597, ClinGen allele CA403748554.
Genomic context (GRCh38, chr19:8,585,194, plus strand): 5'-CACCCCACTCGCCAGCCACCCAGCGGGCCGGGGGGCAGCGGCGCAAGTTGCAGCGCATGG[T>C]GGCCGGTGGCTTGGCGGCGGGTGAGCAGTGCGCCGGGGGCAGCGTGGCGCGGTGGTCTGC-3'
Protein context (NP_112219.3, residues 984-1004): HCSPAAKPPA[Thr994Ala]MRCNLRRCPP